The following is an entry in ClinVar:

NM_182961.4(SYNE1):c.26180C>T (p.Ser8727Phe)

Genes: ESR1 (estrogen receptor 1; plus strand), SYNE1 (spectrin repeat containing nuclear envelope protein 1; minus strand). Cytogenetic location: 6q25.2.
Variant type: single nucleotide variant.
Coding change: c.26180C>T on transcript NM_182961.4 (MANE Select); coding-DNA position 26180, C replaced by T.
Protein change: p.Ser8727Phe; replaces serine 8727 with phenylalanine.
Molecular consequence: missense variant. On other transcripts: synonymous variant (1), intron variant (1).
Genome position (GRCh38, 1-based): chr6:152,122,650, G>A on the plus strand (C>T on the coding strand, the complement: SYNE1 is on the minus strand). VCF-style: chr6-152122650-G-A. GRCh37 (hg19) VCF-style: chr6-152443785-G-A.
Other names: c.2727C>T, p.Leu909= (NM_001347701.2); c.2714C>T, p.Ser905Phe (NM_001347702.2); c.26036C>T, p.Ser8679Phe (NM_033071.5); c.851-2616G>A (NM_001328100.2); short protein forms S8679F, S905F, S8727F.
Identifiers: ClinVar variation 644985 (VCV000644985.10), dbSNP rs1585315718, ClinGen allele CA366089215.

ClinVar aggregate classification (germline): Uncertain significance (1 of 4 stars; one submission).

Conditions:
Autosomal recessive ataxia, Beauce type. Also called: Spinocerebellar ataxia, autosomal recessive 8; ATAXIA, RECESSIVE, OF BEAUCE; SYNE1 Deficiency; SYNE1-Related Autosomal Recessive Cerebellar Ataxia. Identifiers: Orphanet 88644, MedGen C1853116, MONDO:0012549, OMIM 610743.
Emery-Dreifuss muscular dystrophy 4, autosomal dominant (EDMD4). Also called: EMERY-DREIFUSS MUSCULAR DYSTROPHY 4 WITH VARIABLE FEATURES. Identifiers: Orphanet 261, MedGen C2751807, MONDO:0013071, OMIM 612998.

Allele frequency attached by ClinVar (database versions not stated): gnomAD exomes below 0.00001.
gnomAD v4.1: 3 of 1,614,056 alleles (0.00019%); highest among the groups gnomAD compares: African/African-American, 0.004%; no homozygotes.

Submission:

Labcorp Genetics (formerly Invitae), Labcorp
Classification: Uncertain significance for Emery-Dreifuss muscular dystrophy 4, autosomal dominant; Autosomal recessive ataxia, Beauce type. Last evaluated: 2022-06-04. Review status: criteria provided, single submitter. Criteria: Invitae Variant Classification Sherloc (09022015). Collection method: clinical testing. Allele origin: germline.
Comment: In summary, the available evidence is currently insufficient to determine the role of this variant in disease. Therefore, it has been classified as a Variant of Uncertain Significance. Algorithms developed to predict the effect of missense changes on protein structure and function are either unavailable or do not agree on the potential impact of this missense change (SIFT: "Deleterious"; PolyPhen-2: "Benign"; Align-GVGD: "Class C0"). ClinVar contains an entry for this variant (Variation ID: 644985). This variant has not been reported in the literature in individuals affected with SYNE1-related conditions. This variant is not present in population databases (gnomAD no frequency). This sequence change replaces serine, which is neutral and polar, with phenylalanine, which is neutral and non-polar, at codon 8679 of the SYNE1 protein (p.Ser8679Phe).